The following is an entry in ClinVar:

NM_001393769.1(MED12L):c.5609G>A (p.Gly1870Asp)

Gene: MED12L (mediator complex subunit 12L; plus strand). Cytogenetic location: 3q25.1.
Variant type: single nucleotide variant.
Coding change: c.5609G>A on transcript NM_001393769.1 (MANE Select); coding-DNA position 5609, G replaced by A.
Protein change: p.Gly1870Asp; replaces glycine 1870 with aspartic acid.
Molecular consequence: missense variant.
Genome position (GRCh38, 1-based): chr3:151,394,656, G>A. VCF-style: chr3-151394656-G-A. GRCh37 (hg19) VCF-style: chr3-151112444-G-A.
Other names: c.5504G>A, p.Gly1835Asp (NM_053002.6); short protein forms G1835D, G1870D.
Identifiers: ClinVar variation 3360383 (VCV003360383.1).

ClinVar aggregate classification (germline): Uncertain significance (1 of 4 stars; one submission).

gnomAD v4.1: 1 of 1,613,968 alleles (0.000062%); highest among the groups gnomAD compares: Non-Finnish European, 0.000085%; no homozygotes.

Submission:

GeneDx
Classification: Uncertain significance. Last evaluated: 2023-06-23. Review status: criteria provided, single submitter. Criteria: GeneDx Variant Classification Process June 2021. Collection method: clinical testing. Allele origin: germline. Affected: yes.
Comment: Not observed at significant frequency in large population cohorts (gnomAD); In silico analysis supports that this missense variant has a deleterious effect on protein structure/function; Has not been previously published as pathogenic or benign to our knowledge